The following is an entry in ClinVar:

NM_080425.4(GNAS):c.1879C>G (p.Gln627Glu)

Gene: GNAS (GNAS complex locus; plus strand). Cytogenetic location: 20q13.32.
Variant type: single nucleotide variant.
Coding change: c.1879C>G on transcript NM_080425.4 (MANE Plus Clinical); coding-DNA position 1879, C replaced by G.
Protein change: p.Gln627Glu; replaces glutamine 627 with glutamic acid.
Molecular consequence: missense variant. On other transcripts: synonymous variant (2), intron variant (3).
Genome position (GRCh38, 1-based): chr20:58,855,144, C>G. VCF-style: chr20-58855144-C-G. GRCh37 (hg19) VCF-style: chr20-57430199-C-G.
Other names: c.1692C>G, p.Pro564= (NM_001077490.3, NM_001309883.1); c.1879C>G, p.Gln627Glu (NM_001410913.1); c.*42+14258C>G (NM_016592.5); c.43+14258C>G (NM_001410912.1); c.-39+13269C>G (NM_001309861.2); short protein forms Q627E.
Identifiers: ClinVar variation 3348120 (VCV003348120.1).
Genomic context (GRCh38, chr20:58,855,144, plus strand): 5'-TTACTCCGCAACTTTCTCGTGCAAGCCTTCGGGGGCTGCTTCGGTCGATCTGAGAGTCCC[C>G]AGCCCAAAGCCTCGCGCTCTCTCAAGGTCAAGAAGGTACCCCTGGCGGAGAAGCGCAGAC-3'
Protein context (NP_536350.2, residues 617-637): GGCFGRSESP[Gln627Glu]PKASRSLKVK

ClinVar aggregate classification (germline): Uncertain significance (0 of 4 stars; one submission).

Conditions:
GNAS-related disorder. Identifiers: MedGen CN380105.

Submission:

PreventionGenetics, part of Exact Sciences
Classification: Uncertain significance for GNAS-related condition. Last evaluated: 2024-04-02. Review status: no assertion criteria provided. Collection method: clinical testing. Allele origin: germline.
Comment: The GNAS c.1879C>G variant is predicted to result in the amino acid substitution p.Gln627Glu. To our knowledge, this variant has not been reported in the literature or in a large population database, indicating this variant is rare. At this time, the clinical significance of this variant is uncertain due to the absence of conclusive functional and genetic evidence.